The following is an entry in ClinVar:

NM_000059.4(BRCA2):c.1567C>T (p.His523Tyr)

Gene: BRCA2 (BRCA2 DNA repair associated; plus strand). Cytogenetic location: 13q13.1.
Variant type: single nucleotide variant.
Coding change: c.1567C>T on transcript NM_000059.4 (MANE Select); coding-DNA position 1567, C replaced by T.
Protein change: p.His523Tyr; replaces histidine 523 with tyrosine.
Molecular consequence: missense variant.
Genome position (GRCh38, 1-based): chr13:32,333,045, C>T. VCF-style: chr13-32333045-C-T. GRCh37 (hg19) VCF-style: chr13-32907182-C-T.
Other names: short protein forms H523Y.
Identifiers: ClinVar variation 1021383 (VCV001021383.11), dbSNP rs2072416501, ClinGen allele CA387764718.
Genomic context (GRCh38, chr13:32,333,045, plus strand): 5'-AAGTCTATATTCAGAATAAGAGAATCACCTAAAGAGACTTTCAATGCAAGTTTTTCAGGT[C>T]ATATGACTGATCCAAACTTTAAAAAAGAAACTGAAGCCTCTGAAAGTGGACTGGAAATAC-3'
Protein context (NP_000050.3, residues 513-533): KETFNASFSG[His523Tyr]MTDPNFKKET

ClinVar aggregate classification (germline): Conflicting classifications of pathogenicity. Review status: criteria provided, conflicting classifications (1 of 4 stars). 4 submissions from 4 submitters: Uncertain significance (2); Likely benign (2). Last evaluated 2025-11-05.

Conditions:
Hereditary breast ovarian cancer syndrome. Also called: Breast and ovarian cancer; Hereditary breast and ovarian cancer syndrome (HBOC); Hereditary breast and ovarian cancer; Hereditary breast and/or ovarian cancer syndrome; BRCA1- and BRCA2-Associated Hereditary Breast and Ovarian Cancer; Hereditary breast and ovarian cancer syndrome. Identifiers: Orphanet 145, MedGen C0677776, MeSH D061325, MONDO:0003582. Disease mechanism: loss of function.
Hereditary cancer-predisposing syndrome. Also called: Hereditary Cancer Syndrome; Neoplastic Syndromes, Hereditary; Tumor predisposition; Hereditary neoplastic syndrome. Identifiers: Orphanet 140162, MedGen C0027672, MeSH D009386, MONDO:0015356.

Allele frequency attached by ClinVar (database versions not stated): TOPMed below 0.00001.
gnomAD v4.1: 2 of 1,607,954 alleles (0.00012%); highest among the groups gnomAD compares: African/African-American, 0.0027%; no homozygotes.

Submissions (4):

Labcorp Genetics (formerly Invitae), Labcorp
Classification: Uncertain significance for Hereditary breast ovarian cancer syndrome. Last evaluated: 2025-11-05. Review status: criteria provided, single submitter. Criteria: Invitae Variant Classification Sherloc (09022015). Collection method: clinical testing. Allele origin: germline.
Comment: This sequence change replaces histidine, which is basic and polar, with tyrosine, which is neutral and polar, at codon 523 of the BRCA2 protein (p.His523Tyr). This variant is not present in population databases (gnomAD no frequency). This variant has not been reported in the literature in individuals affected with BRCA2-related conditions. ClinVar contains an entry for this variant (Variation ID: 1021383). Invitae Evidence Modeling of protein sequence and biophysical properties (such as structural, functional, and spatial information, amino acid conservation, physicochemical variation, residue mobility, and thermodynamic stability) indicates that this missense variant is not expected to disrupt BRCA2 protein function with a negative predictive value of 95%. In summary, the available evidence is currently insufficient to determine the role of this variant in disease. Therefore, it has been classified as a Variant of Uncertain Significance.

Quest Diagnostics Nichols Institute San Juan Capistrano
Classification: Uncertain significance. Last evaluated: 2025-10-09. Review status: criteria provided, single submitter. Criteria: Quest Diagnostics criteria. Collection method: clinical testing. Allele origin: unknown.
Comment: The BRCA2 c.1567C>T (p.His523Tyr) variant has been reported in the published literature to be located in a region of the BRCA2 gene that is tolerant to missense sequence changes (PMID: 31911673 (2020)). To the best of our knowledge, this variant has not been reported in individuals with BRCA2-related disorders. This variant has not been reported in large, multi-ethnic general populations (Genome Aggregation Database). Analysis of this variant using bioinformatics tools for the prediction of the effect of amino acid changes on protein structure and function yielded predictions that this variant is benign. Based on the available information, we are unable to determine the clinical significance of this variant.

Ambry Genetics
Classification: Likely benign for Hereditary cancer-predisposing syndrome. Last evaluated: 2024-02-26. Review status: criteria provided, single submitter. Criteria: Ambry Variant Classification Scheme 2023. Collection method: clinical testing. Allele origin: germline.

University of Washington Department of Laboratory Medicine, University of Washington
Classification: Likely benign for Hereditary cancer-predisposing syndrome. Last evaluated: 2023-03-23. Review status: criteria provided, single submitter. Criteria: Dines et al. (Genet Med. 2020). Collection method: curation. Allele origin: germline.
Comment: Missense variant in a coldspot region where missense variants are very unlikely to be pathogenic (PMID:31911673).

BRCA2 exon 10 coldspot. Reclassification based on statistical prior probability.

Literature cited by the submitters: PubMed 31911673 (cited by Quest Diagnostics Nichols Institute San Juan Capistrano).